The following is an entry in ClinVar:

ClinVar aggregate classification (germline): Uncertain significance (1 of 4 stars; one submission).

Conditions:
Hereditary cancer-predisposing syndrome. Also called: Hereditary neoplastic syndrome; Neoplastic Syndromes, Hereditary; Tumor predisposition; Hereditary Cancer Syndrome. Identifiers: Orphanet 140162, MedGen C0027672, MeSH D009386, MONDO:0015356.

Submission:

Ambry Genetics
Classification: Uncertain significance for Hereditary cancer-predisposing syndrome. Last evaluated: 2025-06-16. Review status: criteria provided, single submitter. Criteria: Ambry Variant Classification Scheme 2023. Collection method: clinical testing. Allele origin: germline.
Comment: The p.S46F variant (also known as c.137C>T), located in coding exon 2 of the PDGFRA gene, results from a C to T substitution at nucleotide position 137. The serine at codon 46 is replaced by phenylalanine, an amino acid with highly dissimilar properties. This amino acid position is conserved. In addition, this alteration is predicted to be tolerated by in silico analysis. Based on the available evidence, the clinical significance of this variant remains unclear.

NM_006206.6(PDGFRA):c.137C>T (p.Ser46Phe)

Gene: PDGFRA (platelet derived growth factor receptor alpha; plus strand). Cytogenetic location: 4q12.
Variant type: single nucleotide variant.
Coding change: c.137C>T on transcript NM_006206.6 (MANE Select); coding-DNA position 137, C replaced by T.
Protein change: p.Ser46Phe; replaces serine 46 with phenylalanine.
Molecular consequence: missense variant.
Genome position (GRCh38, 1-based): chr4:54,261,182, C>T. VCF-style: chr4-54261182-C-T. GRCh37 (hg19) VCF-style: chr4-55127349-C-T.
Other names: c.212C>T, p.Ser71Phe (NM_001347828.2); c.137C>T, p.Ser46Phe (NM_001347829.2, NM_001347827.2); c.176C>T, p.Ser59Phe (NM_001347830.2); short protein forms S71F, S59F, S46F.
Identifiers: ClinVar variation 4133978 (VCV004133978.1).